The following is an entry in ClinVar:

NC_000012.11:g.(?_133225505)_(133263901_?)dup

Gene: POLE (DNA polymerase epsilon, catalytic subunit; minus strand). Cytogenetic location: 12q24.33.
Variant type: Duplication.
Identifiers: ClinVar variation 3244411 (VCV003244411.1).

ClinVar aggregate classification (germline): Uncertain significance (1 of 4 stars; one submission).

Submission:

Labcorp Genetics (formerly Invitae), Labcorp
Classification: Uncertain significance. Last evaluated: 2022-04-13. Review status: criteria provided, single submitter. Criteria: Invitae Variant Classification Sherloc (09022015). Collection method: clinical testing. Allele origin: unknown.
Comment: This variant results in a copy number gain of the genomic region encompassing exon(s) 1-32 of the POLE gene. This region includes the initiator codon of the gene. This copy number gain extends beyond the assayed region for this gene and therefore may encompass additional genes. As the precise location of this event is unknown, it may be in tandem or it may be located elsewhere in the genome. This variant has not been reported in the literature in individuals affected with POLE-related conditions. In summary, the available evidence is currently insufficient to determine the role of this variant in disease. Therefore, it has been classified as a Variant of Uncertain Significance.